The following is an entry in ClinVar:

ClinVar aggregate classification (germline): Uncertain significance (1 of 4 stars; one submission).

Conditions:
Epilepsy, idiopathic generalized, susceptibility to, 15 (EIG15). Identifiers: MedGen C5193050, MONDO:0032699, OMIM 618357.

gnomAD v4.1: 4 of 1,610,386 alleles (0.00025%); highest among the groups gnomAD compares: Non-Finnish European, 0.00034%; no homozygotes.

Submission:

Laboratorio de Genetica e Diagnostico Molecular, Hospital Israelita Albert Einstein
Classification: Uncertain significance for Epilepsy, idiopathic generalized, susceptibility to, 15. Last evaluated: 2024-08-27. Review status: criteria provided, single submitter. Criteria: ACMG Guidelines, 2015. Collection method: clinical testing. Allele origin: germline. Affected: yes.
Comment: ACMG classification criteria: PM2 supporting, PP2 supporting, PP3 supporting

NM_006914.4(RORB):c.1192A>G (p.Lys398Glu)

Gene: RORB (RAR related orphan receptor B; plus strand). Cytogenetic location: 9q21.13.
Variant type: single nucleotide variant.
Coding change: c.1192A>G on transcript NM_006914.4 (MANE Select); coding-DNA position 1192, A replaced by G.
Protein change: p.Lys398Glu; replaces lysine 398 with glutamic acid.
Molecular consequence: missense variant.
Genome position (GRCh38, 1-based): chr9:74,671,869, A>G. VCF-style: chr9-74671869-A-G. GRCh37 (hg19) VCF-style: chr9-77286785-A-G.
Other names: c.1225A>G, p.Lys409Glu (NM_001365023.1); short protein forms K398E, K409E.
Identifiers: ClinVar variation 4076385 (VCV004076385.1).